The following is an entry in ClinVar:

NM_013447.4(ADGRE2):c.1603G>A (p.Val535Met)

Gene: ADGRE2 (adhesion G protein-coupled receptor E2; minus strand). Cytogenetic location: 19p13.12.
Variant type: single nucleotide variant.
Coding change: c.1603G>A on transcript NM_013447.4 (MANE Select); coding-DNA position 1603, G replaced by A.
Protein change: p.Val535Met; replaces valine 535 with methionine.
Molecular consequence: missense variant.
Genome position (GRCh38, 1-based): chr19:14,752,514, C>T on the plus strand (G>A on the coding strand, the complement: ADGRE2 is on the minus strand). VCF-style: chr19-14752514-C-T. GRCh37 (hg19) VCF-style: chr19-14863326-C-T.
Other names: c.1429G>A, p.Val477Met (NM_001271052.1); c.1456G>A, p.Val486Met (NM_152916.2); c.1324G>A, p.Val442Met (NM_152917.2); short protein forms V486M, V535M, V442M, V477M.
Identifiers: ClinVar variation 2055673 (VCV002055673.4), dbSNP rs370924160, ClinGen allele CA9257657.
Genomic context (GRCh38, chr19:14,752,514, plus strand): 5'-CCGCCAGGAGGAGGCACAGCAGAGAGACGCTCAGCCCCATGTAGGTGATGACAGTCAGCA[C>T]GGGATCCTCCTCCTGGGACCCGGAAAAGAAGAGTTCACAGTGATGCTTTCCTGCTCTGGG-3'
Protein context (NP_038475.2, residues 525-545): AHYDVQEEDP[Val535Met]LTVITYMGLS

ClinVar aggregate classification (germline): Uncertain significance (1 of 4 stars; one submission).

Allele frequency attached by ClinVar (database versions not stated): ESP Exome Variant Server 0.00008; TOPMed 0.00013; gnomAD 0.00015; gnomAD exomes 0.00027; ExAC 0.00028.
gnomAD v4.1: 409 of 1,613,980 alleles (0.025%); highest among the groups gnomAD compares: East Asian, 0.1%; 1 homozygote.

Submission:

Labcorp Genetics (formerly Invitae), Labcorp
Classification: Uncertain significance. Last evaluated: 2026-01-26. Review status: criteria provided, single submitter. Criteria: Invitae Variant Classification Sherloc (09022015). Collection method: clinical testing. Allele origin: germline.
Comment: This sequence change replaces valine, which is neutral and non-polar, with methionine, which is neutral and non-polar, at codon 535 of the ADGRE2 protein (p.Val535Met). This variant is present in population databases (rs370924160, gnomAD 0.06%), and has an allele count higher than expected for a pathogenic variant. This variant has not been reported in the literature in individuals affected with ADGRE2-related conditions. ClinVar contains an entry for this variant (Variation ID: 2055673). An algorithm developed to predict the effect of missense changes on protein structure and function outputs the following: PolyPhen-2: "Benign". The methionine amino acid residue is found in multiple mammalian species, which suggests that this missense change does not adversely affect protein function. In summary, the available evidence is currently insufficient to determine the role of this variant in disease. Therefore, it has been classified as a Variant of Uncertain Significance.